The following is an entry in ClinVar:

NM_000263.4(NAGLU):c.1778G>A (p.Arg593Lys)

Gene: NAGLU (N-acetyl-alpha-glucosaminidase; plus strand). Cytogenetic location: 17q21.2.
Variant type: single nucleotide variant.
Coding change: c.1778G>A on transcript NM_000263.4 (MANE Select); coding-DNA position 1778, G replaced by A.
Protein change: p.Arg593Lys; replaces arginine 593 with lysine.
Molecular consequence: missense variant.
Genome position (GRCh38, 1-based): chr17:42,543,784, G>A. VCF-style: chr17-42543784-G-A. GRCh37 (hg19) VCF-style: chr17-40695802-G-A.
Other names: short protein forms R593K.
Identifiers: ClinVar variation 1491845 (VCV001491845.5), dbSNP rs1274337932, ClinGen allele CA399604844.

ClinVar aggregate classification (germline): Uncertain significance (1 of 4 stars; one submission).

Conditions:
Mucopolysaccharidosis, MPS-III-B (MPS3B). Also called: N-ACETYL-ALPHA-D-GLUCOSAMINIDASE DEFICIENCY; NAGLU DEFICIENCY; SANFILIPPO SYNDROME B; MPS III B; MPS IIIB (Sanfilippo Syndrome Type B); MUCOPOLYSACCHARIDOSIS, TYPE IIIB. Identifiers: Orphanet 79270, MedGen C0086648, MONDO:0009656, OMIM 252920.
Charcot-Marie-Tooth disease axonal type 2V. Also called: CHARCOT-MARIE-TOOTH NEUROPATHY, TYPE 2V; CHARCOT-MARIE-TOOTH DISEASE, AXONAL, AUTOSOMAL DOMINANT, TYPE 2V. Identifiers: Orphanet 447964, MedGen C5569050, MONDO:0014665, OMIM 616491.

Allele frequency attached by ClinVar (database versions not stated): gnomAD exomes below 0.00001; TOPMed below 0.00001.
gnomAD v4.1: 5 of 1,609,990 alleles (0.00031%); highest among the groups gnomAD compares: Middle Eastern, 0.017%; no homozygotes.

Submission:

Labcorp Genetics (formerly Invitae), Labcorp
Classification: Uncertain significance for Charcot-Marie-Tooth disease axonal type 2V; Mucopolysaccharidosis, MPS-III-B. Last evaluated: 2022-03-03. Review status: criteria provided, single submitter. Criteria: Invitae Variant Classification Sherloc (09022015). Collection method: clinical testing. Allele origin: germline.
Comment: This sequence change replaces arginine, which is basic and polar, with lysine, which is basic and polar, at codon 593 of the NAGLU protein (p.Arg593Lys). This variant is not present in population databases (gnomAD no frequency). This variant has not been reported in the literature in individuals affected with NAGLU-related conditions. Advanced modeling of protein sequence and biophysical properties (such as structural, functional, and spatial information, amino acid conservation, physicochemical variation, residue mobility, and thermodynamic stability) performed at Invitae indicates that this missense variant is not expected to disrupt NAGLU protein function. Algorithms developed to predict the effect of sequence changes on RNA splicing suggest that this variant may create or strengthen a splice site. In summary, the available evidence is currently insufficient to determine the role of this variant in disease. Therefore, it has been classified as a Variant of Uncertain Significance.